The following is an entry in ClinVar:

ClinVar aggregate classification (germline): Uncertain significance. Review status: criteria provided, single submitter (1 of 4 stars). 2 submissions from 2 submitters: Uncertain significance (1). 1 of the submissions does not count toward it. Last evaluated 2022-10-13.

Conditions:
Anauxetic dysplasia. Identifiers: Orphanet 93347, MedGen C1846796, MONDO:0011773.
Metaphyseal chondrodysplasia, McKusick type (CHH). Also called: Cartilage-hair hypoplasia; Cartilage-Hair Hypoplasia (CHH). Identifiers: Orphanet 175, MedGen C0220748, MONDO:0009595, OMIM 250250.

Allele frequency attached by ClinVar (database versions not stated): TOPMed 0.00035; 1000 Genomes Project 30x 0.00094.

Submissions (2):

Labcorp Genetics (formerly Invitae), Labcorp
Classification: Uncertain significance for Anauxetic dysplasia. Last evaluated: 2022-10-13. Review status: criteria provided, single submitter. Criteria: Invitae Variant Classification Sherloc (09022015). Collection method: clinical testing. Allele origin: germline.
Comment: This variant occurs in the RMRP gene, which encodes an RNA molecule that does not result in a protein product. This variant is present in population databases (no rsID available, gnomAD 0.03%). This variant has not been reported in the literature in individuals affected with RMRP-related conditions. ClinVar contains an entry for this variant (Variation ID: 550381). Experimental studies and prediction algorithms are not available or were not evaluated, and the functional significance of this variant is currently unknown. In summary, the available evidence is currently insufficient to determine the role of this variant in disease. Therefore, it has been classified as a Variant of Uncertain Significance.

Counsyl
Classification: Uncertain significance for Metaphyseal chondrodysplasia, McKusick type. Last evaluated: 2017-01-19. Review status: no assertion criteria provided. Collection method: clinical testing. Allele origin: unknown. Not counted in ClinVar's aggregate classification.

NC_000009.12:g.35658072A>T

Gene: RMRP (RNA component of mitochondrial RNA processing endoribonuclease; minus strand). Cytogenetic location: 9p13.3.
Variant type: single nucleotide variant.
Genome position: GRCh38 VCF-style: chr9-35658072-A-T. GRCh37 (hg19) VCF-style: chr9-35658069-A-T.
Identifiers: ClinVar variation 550381 (VCV000550381.6), dbSNP rs181777676, ClinGen allele CA192745794.